The following is an entry in ClinVar:

NM_172364.5(CACNA2D4):c.3348A>T (p.Ser1116=)

Gene: CACNA2D4 (calcium voltage-gated channel auxiliary subunit alpha2delta 4; minus strand). Cytogenetic location: 12p13.33.
Variant type: single nucleotide variant.
Coding change: c.3348A>T on transcript NM_172364.5 (MANE Select); coding-DNA position 3348, A replaced by T.
Protein change: p.Ser1116=; no amino-acid change (serine 1116 retained).
Molecular consequence: synonymous variant.
Genome position (GRCh38, 1-based): chr12:1,793,721, T>A on the plus strand (A>T on the coding strand, the complement: CACNA2D4 is on the minus strand). VCF-style: chr12-1793721-T-A. GRCh37 (hg19) VCF-style: chr12-1902887-T-A.
Identifiers: ClinVar variation 307832 (VCV000307832.21), dbSNP rs368886623, ClinGen allele CA6385938.

ClinVar aggregate classification (germline): Conflicting classifications of pathogenicity. Review status: criteria provided, conflicting classifications (1 of 4 stars). 6 submissions from 6 submitters: Uncertain significance (1); Likely benign (2). 3 of the submissions do not count toward it. Last evaluated 2026-01-25.

Conditions:
Retinal cone dystrophy 4 (RCD4). Identifiers: Orphanet 1872, MedGen C1864849, MONDO:0012507, OMIM 610478.
CACNA2D4-related disorder. Also called: CACNA2D4-related condition.

Allele frequency attached by ClinVar (database versions not stated): gnomAD 0.00036 and 0.00038; ExAC 0.00043; gnomAD exomes 0.00043 and 0.00058; TOPMed 0.00046; ESP Exome Variant Server 0.00056.
gnomAD v4.1: 909 of 1,613,466 alleles (0.056%); highest among the groups gnomAD compares: Admixed American, 0.098%; no homozygotes.

Submissions (6):

Labcorp Genetics (formerly Invitae), Labcorp
Classification: Likely benign. Last evaluated: 2026-01-25. Review status: criteria provided, single submitter. Criteria: Invitae Variant Classification Sherloc (09022015). Collection method: clinical testing. Allele origin: germline.

Blueprint Genetics
Classification: Likely benign. Last evaluated: 2024-11-20. Review status: criteria provided, single submitter. Criteria: ACMG Guidelines, 2015. Collection method: clinical testing. Allele origin: germline.

Illumina Laboratory Services, Illumina
Classification: Uncertain significance for Retinal cone dystrophy 4. Last evaluated: 2018-01-13. Review status: criteria provided, single submitter. Criteria: ICSL Variant Classification Criteria 13 December 2019. Collection method: clinical testing. Allele origin: germline.

PreventionGenetics, part of Exact Sciences
Classification: Likely benign for CACNA2D4-related condition. Last evaluated: 2019-07-03. Review status: no assertion criteria provided. Collection method: clinical testing. Allele origin: germline. Not counted in ClinVar's aggregate classification.
Comment: This variant is classified as likely benign based on ACMG/AMP sequence variant interpretation guidelines (Richards et al. 2015 PMID: 25741868, with internal and published modifications).

Clinical Genetics DNA and cytogenetics Diagnostics Lab, Erasmus MC, Erasmus Medical Center
Classification: Likely benign. Review status: no assertion criteria provided. Collection method: clinical testing. Allele origin: germline. Affected: yes. Study: VKGL Data-share Consensus. Not counted in ClinVar's aggregate classification.

Clinical Genetics, Academic Medical Center
Classification: Benign. Review status: no assertion criteria provided. Collection method: clinical testing. Allele origin: germline. Affected: yes. Study: VKGL Data-share Consensus. Not counted in ClinVar's aggregate classification.